The following is an entry in ClinVar:

ClinVar aggregate classification (germline): Uncertain significance. Review status: criteria provided, multiple submitters, no conflicts (2 of 4 stars). 7 submissions from 5 submitters: Uncertain significance (6). 1 of the submissions does not count toward it. Last evaluated 2024-12-30.

Conditions:
Leber congenital amaurosis 8 (LCA8). Identifiers: Orphanet 65, MedGen C3151202, MONDO:0013453, OMIM 613835.
Pigmented paravenous retinochoroidal atrophy. Identifiers: Orphanet 251295, MedGen C1868310, MONDO:0008246, OMIM 172870.
Retinitis pigmentosa 12 (RP12). Also called: RP WITH OR WITHOUT PPRPE; RP WITH OR WITHOUT PRESERVED PARAARTERIOLE RETINAL PIGMENT EPITHELIUM; RETINITIS PIGMENTOSA WITH OR WITHOUT PARAARTERIOLAR PRESERVATION OF RETINAL PIGMENT EPITHELIUM. Identifiers: Orphanet 791, MedGen C1838647, MONDO:0010818, OMIM 600105.
Leber congenital amaurosis (LCA). Also called: Leber's amaurosis. Identifiers: Orphanet 65, MedGen C0339527, MeSH D057130, MONDO:0018998.
Inborn genetic diseases. Identifiers: MedGen C0950123, MeSH D030342.

Allele frequency attached by ClinVar (database versions not stated): TOPMed 0.00002; ExAC 0.00003; gnomAD 0.00003 and 0.00004; gnomAD exomes 0.00003 and 0.00006; 1000 Genomes Project 0.00040; 1000 Genomes Project 30x 0.00062.
gnomAD v4.1: 90 of 1,607,074 alleles (0.0056%); highest among the groups gnomAD compares: Admixed American, 0.02%; no homozygotes.

Submissions (7):

Ambry Genetics
Classification: Uncertain significance for Inborn genetic diseases. Last evaluated: 2024-12-30. Review status: criteria provided, single submitter. Criteria: Ambry Variant Classification Scheme 2023. Collection method: clinical testing. Allele origin: germline.

Labcorp Genetics (formerly Invitae), Labcorp
Classification: Uncertain significance for Leber congenital amaurosis 8; Retinitis pigmentosa 12. Last evaluated: 2024-10-26. Review status: criteria provided, single submitter. Criteria: Invitae Variant Classification Sherloc (09022015). Collection method: clinical testing. Allele origin: germline.
Comment: This sequence change replaces valine, which is neutral and non-polar, with methionine, which is neutral and non-polar, at codon 1209 of the CRB1 protein (p.Val1209Met). This variant is present in population databases (rs201349525, gnomAD 0.006%). This variant has not been reported in the literature in individuals affected with CRB1-related conditions. ClinVar contains an entry for this variant (Variation ID: 970607). Invitae Evidence Modeling of protein sequence and biophysical properties (such as structural, functional, and spatial information, amino acid conservation, physicochemical variation, residue mobility, and thermodynamic stability) indicates that this missense variant is expected to disrupt CRB1 protein function with a positive predictive value of 95%. In summary, the available evidence is currently insufficient to determine the role of this variant in disease. Therefore, it has been classified as a Variant of Uncertain Significance.

Genome-Nilou Lab
Classification: Uncertain significance for Leber congenital amaurosis 8. Last evaluated: 2023-04-11. Review status: criteria provided, single submitter. Criteria: ACMG Guidelines, 2015. Collection method: clinical testing. Allele origin: germline. Affected: no.

Genome-Nilou Lab
Classification: Uncertain significance for Pigmented paravenous retinochoroidal atrophy. Last evaluated: 2023-04-11. Review status: criteria provided, single submitter. Criteria: ACMG Guidelines, 2015. Collection method: clinical testing. Allele origin: germline. Affected: no.

Genome-Nilou Lab
Classification: Uncertain significance for Retinitis pigmentosa 12. Last evaluated: 2023-04-11. Review status: criteria provided, single submitter. Criteria: ACMG Guidelines, 2015. Collection method: clinical testing. Allele origin: germline. Affected: no.

Blueprint Genetics
Classification: Uncertain significance. Last evaluated: 2023-02-15. Review status: criteria provided, single submitter. Criteria: ACMG Guidelines, 2015. Collection method: clinical testing. Allele origin: germline.

Natera, Inc.
Classification: Uncertain significance for Leber congenital amaurosis. Last evaluated: 2020-01-17. Review status: no assertion criteria provided. Collection method: clinical testing. Allele origin: germline. Not counted in ClinVar's aggregate classification.

NM_201253.3(CRB1):c.3625G>A (p.Val1209Met)

Gene: CRB1 (crumbs cell polarity complex component 1; plus strand). Cytogenetic location: 1q31.3.
Variant type: single nucleotide variant.
Coding change: c.3625G>A on transcript NM_201253.3 (MANE Select); coding-DNA position 3625, G replaced by A.
Protein change: p.Val1209Met; replaces valine 1209 with methionine.
Molecular consequence: missense variant. On other transcripts: non-coding transcript variant (2), intron variant (1).
Genome position (GRCh38, 1-based): chr1:197,435,488, G>A. VCF-style: chr1-197435488-G-A. GRCh37 (hg19) VCF-style: chr1-197404618-G-A.
Other names: c.3289G>A, p.Val1097Met (NM_001193640.2); c.3553G>A, p.Val1185Met (NM_001257965.2); c.2129-112G>A (NM_001257966.2); short protein forms V1209M, V1097M, V1185M.
Identifiers: ClinVar variation 970607 (VCV000970607.10), dbSNP rs201349525, ClinGen allele CA1312367.